The following is an entry in ClinVar:

ClinVar aggregate classification (germline): Uncertain significance. Review status: criteria provided, multiple submitters, no conflicts (2 of 4 stars). 2 submissions from 2 submitters: Uncertain significance (2). Last evaluated 2026-08-05.

Conditions:
Inborn genetic diseases. Identifiers: MedGen C0950123, MeSH D030342.

Submissions (2):

Ambry Genetics
Classification: Uncertain significance for Inborn genetic diseases. Last evaluated: 2026-08-05. Review status: criteria provided, single submitter. Criteria: Ambry Variant Classification Scheme 2023. Collection method: clinical testing. Allele origin: germline.
Comment: The p.S1507P variant (also known as c.4519T>C), located in coding exon 31 of the ANKRD26 gene, results from a T to C substitution at nucleotide position 4519. The serine at codon 1507 is replaced by proline, an amino acid with similar properties. This amino acid position is conserved. In addition, this alteration is predicted to be tolerated by in silico analysis. Based on the available evidence, the clinical significance of this variant remains unclear.

GeneDx
Classification: Uncertain significance. Last evaluated: 2022-09-22. Review status: criteria provided, single submitter. Criteria: GeneDx Variant Classification Process June 2021. Collection method: clinical testing. Allele origin: germline. Affected: yes.
Comment: Not observed at significant frequency in large population cohorts (gnomAD); In silico analysis supports that this missense variant has a deleterious effect on protein structure/function; Has not been previously published as pathogenic or benign to our knowledge

NM_014915.3(ANKRD26):c.4519T>C (p.Ser1507Pro)

Gene: ANKRD26 (ankyrin repeat domain 26; minus strand). Cytogenetic location: 10p12.1.
Variant type: single nucleotide variant.
Coding change: c.4519T>C on transcript NM_014915.3 (MANE Select); coding-DNA position 4519, T replaced by C.
Protein change: p.Ser1507Pro; replaces serine 1507 with proline.
Molecular consequence: missense variant.
Genome position (GRCh38, 1-based): chr10:27,014,699, A>G on the plus strand (T>C on the coding strand, the complement: ANKRD26 is on the minus strand). VCF-style: chr10-27014699-A-G. GRCh37 (hg19) VCF-style: chr10-27303628-A-G.
Other names: c.4516T>C, p.Ser1506Pro (NM_001256053.2); short protein forms S1506P, S1507P.
Identifiers: ClinVar variation 2446234 (VCV002446234.2), dbSNP rs2538542329, ClinGen allele CA376356976.